The following is an entry in ClinVar:

NM_018979.4(WNK1):c.5273A>T (p.Lys1758Met)

Gene: WNK1 (WNK lysine deficient protein kinase 1; plus strand). Cytogenetic location: 12p13.33.
Variant type: single nucleotide variant.
Coding change: c.5273A>T on transcript NM_018979.4 (MANE Select); coding-DNA position 5273, A replaced by T.
Protein change: p.Lys1758Met; replaces lysine 1758 with methionine.
Molecular consequence: missense variant.
Genome position (GRCh38, 1-based): chr12:886,077, A>T. VCF-style: chr12-886077-A-T. GRCh37 (hg19) VCF-style: chr12-995243-A-T.
Other names: c.6053A>T, p.Lys2018Met (NM_001184985.2); c.4532A>T, p.Lys1511Met (NM_014823.3); c.6029A>T, p.Lys2010Met (NM_213655.5); short protein forms K1758M, K2010M, K2018M, K1511M.
Identifiers: ClinVar variation 4789467 (VCV004789467.1).

ClinVar aggregate classification (germline): Uncertain significance (1 of 4 stars; one submission).

Conditions:
Neuropathy, hereditary sensory and autonomic, type 2A (HSAN2A). Also called: WNK1-Related HSAN2 (HSAN2A); ACROOSTEOLYSIS, GIACCAI TYPE; ACROOSTEOLYSIS, NEUROGENIC; MORVAN DISEASE; NEUROPATHY, CONGENITAL SENSORY; NEUROPATHY, HEREDITARY SENSORY RADICULAR, AUTOSOMAL RECESSIVE. Identifiers: Orphanet 970, MedGen C2752089, MONDO:0024309, OMIM 201300.
Pseudohypoaldosteronism type 2C (PHA2C). Also called: Pseudohypoaldosteronism Type IIC. Identifiers: Orphanet 757, Orphanet 88940, MedGen C1840391, MONDO:0013778, OMIM 614492.

Submission:

Labcorp Genetics (formerly Invitae), Labcorp
Classification: Uncertain significance for Neuropathy, hereditary sensory and autonomic, type 2A; Pseudohypoaldosteronism type 2C. Last evaluated: 2025-02-20. Review status: criteria provided, single submitter. Criteria: Invitae Variant Classification Sherloc (09022015). Collection method: clinical testing. Allele origin: germline.
Comment: This sequence change replaces lysine, which is basic and polar, with methionine, which is neutral and non-polar, at codon 2010 of the WNK1 protein (p.Lys2010Met). This variant is not present in population databases (gnomAD no frequency). This variant has not been reported in the literature in individuals affected with WNK1-related conditions. Invitae Evidence Modeling of protein sequence and biophysical properties (such as structural, functional, and spatial information, amino acid conservation, physicochemical variation, residue mobility, and thermodynamic stability) indicates that this missense variant is not expected to disrupt WNK1 protein function with a negative predictive value of 95%. In summary, the available evidence is currently insufficient to determine the role of this variant in disease. Therefore, it has been classified as a Variant of Uncertain Significance.